The following is an entry in ClinVar:

NM_001363705.2(UBR2):c.1281+1947_1281+1948insATTTTTTTT

Gene: UBR2 (ubiquitin protein ligase E3 component n-recognin 2; plus strand). Cytogenetic location: 6p21.1.
Variant type: Insertion.
Coding change: c.1281+1947_1281+1948insATTTTTTTT on transcript NM_001363705.2 (MANE Select); bases 1947 to 1948 of the intron after coding-DNA position 1281, ATTTTTTTT inserted.
Molecular consequence: intron variant.
Genome position: GRCh38 VCF-style: chr6-42619453-A-ATATTTTTTT. GRCh37 (hg19) VCF-style: chr6-42587191-A-ATATTTTTTT.
Other names: c.1281+2116_1281+2117insATTTTTTTT (NM_015255.3); c.1282-14_1282-13insATTTTTTTT (NM_001184801.2).
Identifiers: ClinVar variation 2656557 (VCV002656557.24), ClinGen allele CA824863424.

ClinVar aggregate classification (germline): Likely benign (1 of 4 stars; one submission).

Submission:

CeGaT Center for Human Genetics Tuebingen
Classification: Likely benign. Last evaluated: 2022-11-01. Review status: criteria provided, single submitter. Criteria: CeGaT Center For Human Genetics Tuebingen Variant Classification Criteria Version 2. Collection method: clinical testing. Allele origin: germline. Affected: yes. Observed: 1 variant allele.
Comment: UBR2: BS2